The following is an entry in ClinVar:

NM_015559.3(SETBP1):c.4306G>A (p.Ala1436Thr)

Gene: SETBP1 (SET binding protein 1; plus strand). Cytogenetic location: 18q12.3.
Variant type: single nucleotide variant.
Coding change: c.4306G>A on transcript NM_015559.3 (MANE Select); coding-DNA position 4306, G replaced by A.
Protein change: p.Ala1436Thr; replaces alanine 1436 with threonine.
Molecular consequence: missense variant.
Genome position (GRCh38, 1-based): chr18:45,063,213, G>A. VCF-style: chr18-45063213-G-A. GRCh37 (hg19) VCF-style: chr18-42643178-G-A.
Other names: c.4306G>A, p.Ala1436Thr (NM_001379141.1, NM_001379142.1); short protein forms A1436T.
Identifiers: ClinVar variation 1309223 (VCV001309223.2), dbSNP rs1399358567, ClinGen allele CA402483110.

ClinVar aggregate classification (germline): Uncertain significance (1 of 4 stars; one submission).

Allele frequency attached by ClinVar (database versions not stated): gnomAD exomes below 0.00001; 1000 Genomes Project 30x 0.00016.

Submission:

GeneDx
Classification: Uncertain significance. Last evaluated: 2019-10-23. Review status: criteria provided, single submitter. Criteria: GeneDx Variant Classification Process June 2021. Collection method: clinical testing. Allele origin: germline. Affected: yes.
Comment: In silico analysis, which includes protein predictors and evolutionary conservation, supports a deleterious effect; Has not been previously published as pathogenic or benign to our knowledge